The following is an entry in ClinVar:

ClinVar aggregate classification (germline): Conflicting classifications of pathogenicity. Review status: criteria provided, conflicting classifications (1 of 4 stars). 7 submissions from 7 submitters: Uncertain significance (5); Likely benign (2). Last evaluated 2025-06-18.

Conditions:
Dilated cardiomyopathy 1DD (CMD1DD). Identifiers: Orphanet 154, MedGen C2750995, MONDO:0013168, OMIM 613172.
Cardiovascular phenotype. Identifiers: MedGen CN230736.

Allele frequency attached by ClinVar (database versions not stated): gnomAD exomes 0.00016 and 0.00008; ESP Exome Variant Server 0.00088; TOPMed 0.00011; ExAC 0.00015; gnomAD 0.00015 and 0.00016.
gnomAD v4.1: 254 of 1,546,006 alleles (0.016%); highest among the groups gnomAD compares: Non-Finnish European, 0.02%; no homozygotes.

Submissions (7):

Ambry Genetics
Classification: Likely benign for Cardiovascular phenotype. Last evaluated: 2025-06-18. Review status: criteria provided, single submitter. Criteria: Ambry Variant Classification Scheme 2023. Collection method: clinical testing. Allele origin: germline.

Women's Health and Genetics/Laboratory Corporation of America, LabCorp
Classification: Likely benign. Last evaluated: 2025-04-22. Review status: criteria provided, single submitter. Criteria: LabCorp Variant Classification Summary - May 2015. Collection method: clinical testing. Allele origin: germline.
Comment: Variant summary: RBM20 c.2551G>A (p.Ala851Thr) results in a non-conservative amino acid change in the encoded protein sequence. Four of five in-silico tools predict a benign effect of the variant on protein function. Several computational tools predict a significant impact on normal splicing: One predicts the variant abolishes a 3' acceptor site. Two predict the variant weakens a 3' acceptor site. However, these predictions have yet to be confirmed by functional studies. The variant allele was found at a frequency of 7.7e-05 in 154908 control chromosomes, predominantly at a frequency of 0.00018 within the Non-Finnish European subpopulation in the gnomAD database. The observed variant frequency within Non-Finnish European control individuals in the gnomAD database is approximately 4 fold of the estimated maximal expected allele frequency for a pathogenic variant in RBM20 causing Dilated Cardiomyopathy phenotype (4.7e-05). c.2551G>A has been observed in individuals affected with Dilated Cardiomyopathy (Burstein_2021, McGurk_2023). These reports do not provide unequivocal conclusions about association of the variant with Dilated Cardiomyopathy. To our knowledge, no experimental evidence demonstrating an impact on protein function has been reported. The following publications have been ascertained in the context of this evaluation (PMID: 32746448, 37652022). ClinVar contains an entry for this variant (Variation ID: 43991). Based on the evidence outlined above, the variant was classified as likely benign.

Labcorp Genetics (formerly Invitae), Labcorp
Classification: Uncertain significance for Dilated cardiomyopathy 1DD. Last evaluated: 2024-11-03. Review status: criteria provided, single submitter. Criteria: Invitae Variant Classification Sherloc (09022015). Collection method: clinical testing. Allele origin: germline.
Comment: This sequence change replaces alanine, which is neutral and non-polar, with threonine, which is neutral and polar, at codon 851 of the RBM20 protein (p.Ala851Thr). This variant is present in population databases (rs376071070, gnomAD 0.03%), and has an allele count higher than expected for a pathogenic variant. This missense change has been observed in individual(s) with dilated cardiomyopathy (PMID: 32746448, 37652022). ClinVar contains an entry for this variant (Variation ID: 43991). An algorithm developed to predict the effect of missense changes on protein structure and function (PolyPhen-2) suggests that this variant¬†is likely to be tolerated. In summary, the available evidence is currently insufficient to determine the role of this variant in disease. Therefore, it has been classified as a Variant of Uncertain Significance.

GeneDx
Classification: Uncertain significance. Last evaluated: 2024-08-04. Review status: criteria provided, single submitter. Criteria: GeneDx Variant Classification Process June 2021. Collection method: clinical testing. Allele origin: germline. Affected: yes.
Comment: In silico analysis indicates that this missense variant does not alter protein structure/function; This variant is associated with the following publications: (PMID: 32746448, 32758068, 37652022)

Fulgent Genetics
Classification: Uncertain significance for Dilated cardiomyopathy 1DD. Last evaluated: 2024-06-04. Review status: criteria provided, single submitter. Criteria: ACMG Guidelines, 2015. Collection method: clinical testing. Allele origin: germline.

Revvity Omics, Revvity
Classification: Uncertain significance for Dilated cardiomyopathy 1DD. Last evaluated: 2020-06-08. Review status: criteria provided, single submitter. Criteria: ACMG Guidelines, 2015. Collection method: clinical testing. Allele origin: germline.

Laboratory for Molecular Medicine, Mass General Brigham Personalized Medicine
Classification: Uncertain significance. Last evaluated: 2015-10-08. Review status: criteria provided, single submitter. Criteria: LMM Criteria. Collection method: clinical testing. Allele origin: germline. Observed: 1 variant allele.
Comment: The p.Ala851Thr variant in RBM20 has not been previously reported in individuals with cardiomyopathy, but has been identified in 3/8584 European chromosomes by the Exome Aggregation Consortium (ExAC; dbSNP rs 376071070). Computational prediction tools and conservation analysis suggest tha t this variant may not impact the protein, though this information is not predic tive enough to rule out pathogenicity. This variant is located in the first base of the exon, which is part of the 3? splice region. Computational tools do not predict altered splicing. However, this information is not predictive enough to rule out pathogenicity. In summary, the clinical significance of the p.Ala851Thr variant is uncertain.

Literature cited by the submitters: PubMed 32746448 (cited by 3 submitters); PubMed 37652022 (cited by 3 submitters).

NM_001134363.3(RBM20):c.2551G>A (p.Ala851Thr)

Gene: RBM20 (RNA binding motif protein 20; plus strand). Cytogenetic location: 10q25.2.
Variant type: single nucleotide variant.
Coding change: c.2551G>A on transcript NM_001134363.3 (MANE Select); coding-DNA position 2551, G replaced by A.
Protein change: p.Ala851Thr; replaces alanine 851 with threonine.
Molecular consequence: missense variant.
Genome position (GRCh38, 1-based): chr10:110,820,072, G>A. VCF-style: chr10-110820072-G-A. GRCh37 (hg19) VCF-style: chr10-112579830-G-A.
Other names: short protein forms A851T.
Identifiers: ClinVar variation 43991 (VCV000043991.27), dbSNP rs376071070, ClinGen allele CA133319.